The following is an entry in ClinVar:

ClinVar aggregate classification (germline): Uncertain significance (1 of 4 stars; one submission).

Conditions:
Cardiovascular phenotype. Identifiers: MedGen CN230736.

Submission:

Ambry Genetics
Classification: Uncertain significance for Cardiovascular phenotype. Last evaluated: 2023-06-26. Review status: criteria provided, single submitter. Criteria: Ambry Variant Classification Scheme 2023. Collection method: clinical testing. Allele origin: germline.
Comment: The p.P364S variant (also known as c.1090C>T), located in coding exon 7 of the PCSK9 gene, results from a C to T substitution at nucleotide position 1090. The proline at codon 364 is replaced by serine, an amino acid with similar properties. This amino acid position is conserved. In addition, this alteration is predicted to be deleterious by in silico analysis. Since supporting evidence is limited at this time, the clinical significance of this alteration remains unclear.

NM_174936.4(PCSK9):c.1090C>T (p.Pro364Ser)

Gene: PCSK9 (proprotein convertase subtilisin/kexin type 9; plus strand). Cytogenetic location: 1p32.3.
Variant type: single nucleotide variant.
Coding change: c.1090C>T on transcript NM_174936.4 (MANE Select); coding-DNA position 1090, C replaced by T.
Protein change: p.Pro364Ser; replaces proline 364 with serine.
Molecular consequence: missense variant. On other transcripts: non-coding transcript variant (7).
Genome position (GRCh38, 1-based): chr1:55,057,424, C>T. VCF-style: chr1-55057424-C-T. GRCh37 (hg19) VCF-style: chr1-55523097-C-T.
Other names: c.1213C>T, p.Pro405Ser (NM_001407240.1); c.1090C>T, p.Pro364Ser (NM_001407241.1, NM_001407244.1, NM_001407247.1); c.1093C>T, p.Pro365Ser (NM_001407242.1); c.1033C>T, p.Pro345Ser (NM_001407243.1); c.898C>T, p.Pro300Ser (NM_001407245.1); c.715C>T, p.Pro239Ser (NM_001407246.1); short protein forms P300S, P345S, P239S, P364S, P405S, P365S.
Identifiers: ClinVar variation 2587898 (VCV002587898.2), dbSNP rs1557506300, ClinGen allele CA340476619.
Genomic context (GRCh38, chr1:55,057,424, plus strand): 5'-CAGCCGGTGACCCTGGGGACTTTGGGGACCAACTTTGGCCGCTGTGTGGACCTCTTTGCC[C>T]CAGGGGAGGACATCATTGGTGCCTCCAGCGACTGCAGCACCTGCTTTGTGTCACAGAGTG-3'
Protein context (NP_777596.2, residues 354-374): NFGRCVDLFA[Pro364Ser]GEDIIGASSD